The following is an entry in ClinVar:

NM_000093.5(COL5A1):c.2439C>T (p.Asp813=)

Gene: COL5A1 (collagen type V alpha 1 chain; plus strand). Cytogenetic location: 9q34.3.
Variant type: single nucleotide variant.
Coding change: c.2439C>T on transcript NM_000093.5 (MANE Select); coding-DNA position 2439, C replaced by T.
Protein change: p.Asp813=; no amino-acid change (aspartic acid 813 retained).
Molecular consequence: synonymous variant.
Genome position (GRCh38, 1-based): chr9:134,782,675, C>T. VCF-style: chr9-134782675-C-T. GRCh37 (hg19) VCF-style: chr9-137674521-C-T.
Other names: p.D813D:GAC>GAT; p.Asp813=; c.2439C>T, p.Asp813= (NM_001278074.1).
Identifiers: ClinVar variation 136867 (VCV000136867.65), dbSNP rs148648778, ClinGen allele CA290235.

ClinVar aggregate classification (germline): Benign/Likely benign. Review status: criteria provided, multiple submitters, no conflicts (2 of 4 stars). 17 submissions from 16 submitters: Benign (12); Likely benign (3). 2 of the submissions do not count toward it. Last evaluated 2026-03-27.

Conditions:
Ehlers-Danlos syndrome, classic type, 1 (EDSCL1). Also called: Ehlers-Danlos syndrome, type 1; Ehlers-Danlos Syndrome, Classic Type, COL5A1-Related; EDS I; EHLERS-DANLOS SYNDROME, GRAVIS TYPE; EHLERS-DANLOS SYNDROME, SEVERE CLASSIC TYPE. Identifiers: MedGen C0268335, MONDO:0019567, OMIM 130000.
Fibromuscular dysplasia, multifocal. Identifiers: MedGen C5543412, MONDO:0859151, OMIM 619329.
Ehlers-Danlos syndrome (EDS). Identifiers: Orphanet 98249, MedGen C0013720, MONDO:0020066.
Ehlers-Danlos syndrome, classic type (cEDS). Identifiers: Orphanet 287, MedGen C4225429, MONDO:0007522.
Familial thoracic aortic aneurysm and aortic dissection (TAAD). Also called: Thoracic aortic aneurysms and dissections. Identifiers: Orphanet 91387, MedGen C4707243, MONDO:0019625.

Allele frequency attached by ClinVar (database versions not stated): gnomAD exomes 0.00072 and 0.00134; ExAC 0.00155; gnomAD 0.00327 and 0.00340; TOPMed 0.00357; ESP Exome Variant Server 0.00400; 1000 Genomes Project 0.00519; 1000 Genomes Project 30x 0.00547.
gnomAD v4.1: 1,559 of 1,613,578 alleles (0.097%); highest among the groups gnomAD compares: African/African-American, 1%; 9 homozygotes.

Submissions (17):

Molecular Diagnostic Laboratory for Inherited Cardiovascular Disease, Montreal Heart Institute
Classification: Benign. Last evaluated: 2026-03-27. Review status: criteria provided, single submitter. Criteria: ACMG Guidelines, 2015. Collection method: clinical testing. Allele origin: germline. Affected: no.

CeGaT Center for Human Genetics Tuebingen
Classification: Likely benign. Last evaluated: 2026-03-01. Review status: criteria provided, single submitter. Criteria: CeGaT Center For Human Genetics Tuebingen Variant Classification Criteria Version 2. Collection method: clinical testing. Allele origin: germline. Affected: yes. Observed: 4 variant alleles.
Comment: COL5A1: BP4, BP7, BS1

Labcorp Genetics (formerly Invitae), Labcorp
Classification: Benign for Ehlers-Danlos syndrome, classic type, 1. Last evaluated: 2026-01-28. Review status: criteria provided, single submitter. Criteria: Invitae Variant Classification Sherloc (09022015). Collection method: clinical testing. Allele origin: germline.

Blueprint Genetics
Classification: Likely benign. Last evaluated: 2024-11-18. Review status: criteria provided, single submitter. Criteria: ACMG Guidelines, 2015. Collection method: clinical testing. Allele origin: germline.

ARUP Laboratories, Molecular Genetics and Genomics, ARUP Laboratories
Classification: Benign. Last evaluated: 2024-11-04. Review status: criteria provided, single submitter. Criteria: ARUP Molecular Germline Variant Investigation Process 2024. Collection method: clinical testing. Allele origin: germline.

Women's Health and Genetics/Laboratory Corporation of America, LabCorp
Classification: Benign. Last evaluated: 2023-11-05. Review status: criteria provided, single submitter. Criteria: LabCorp Variant Classification Summary - May 2015. Collection method: clinical testing. Allele origin: germline.

Genome-Nilou Lab
Classification: Benign for Ehlers-Danlos syndrome, classic type, 1. Last evaluated: 2022-03-15. Review status: criteria provided, single submitter. Criteria: ACMG Guidelines, 2015. Collection method: clinical testing. Allele origin: germline. Affected: no.

Genome-Nilou Lab
Classification: Benign for Fibromuscular dysplasia, multifocal. Last evaluated: 2022-03-15. Review status: criteria provided, single submitter. Criteria: ACMG Guidelines, 2015. Collection method: clinical testing. Allele origin: germline. Affected: no.

Fulgent Genetics
Classification: Likely benign for Ehlers-Danlos syndrome, classic type, 1; Fibromuscular dysplasia, multifocal. Last evaluated: 2021-11-29. Review status: criteria provided, single submitter. Criteria: ACMG Guidelines, 2015. Collection method: clinical testing. Allele origin: unknown.

Mayo Clinic Laboratories, Mayo Clinic
Classification: Benign. Last evaluated: 2020-11-13. Review status: criteria provided, single submitter. Criteria: ACMG Guidelines, 2015. Collection method: clinical testing. Allele origin: germline. Observed: 6 variant alleles.

Genome Diagnostics Laboratory, The Hospital for Sick Children
Classification: Benign for Ehlers-Danlos syndrome. Last evaluated: 2020-04-01. Review status: criteria provided, single submitter. Criteria: ACMG Guidelines, 2015. Collection method: clinical testing. Allele origin: germline.

Illumina Laboratory Services, Illumina
Classification: Benign for Ehlers-Danlos syndrome, classic type, 1. Last evaluated: 2018-01-13. Review status: criteria provided, single submitter. Criteria: ICSL Variant Classification Criteria 13 December 2019. Collection method: clinical testing. Allele origin: germline.
Comment: This variant was observed in the ICSL laboratory as part of a predisposition screen in an ostensibly healthy population. It had not been previously curated by ICSL or reported in the Human Gene Mutation Database (HGMD: prior to June 1st, 2018), and was therefore a candidate for classification through an automated scoring system. Utilizing variant allele frequency, disease prevalence and penetrance estimates, and inheritance mode, an automated score was calculated to assess if this variant is too frequent to cause the disease. Based on the score and internal cut-off values, a variant classified as benign is not then subjected to further curation. The score for this variant resulted in a classification of benign for this disease.

Ambry Genetics
Classification: Benign for Familial thoracic aortic aneurysm and aortic dissection. Last evaluated: 2016-02-25. Review status: criteria provided, single submitter. Criteria: Ambry Variant Classification Scheme 2023. Collection method: clinical testing. Allele origin: germline.

GeneDx
Classification: Benign. Last evaluated: 2014-01-11. Review status: criteria provided, single submitter. Criteria: GeneDx Variant Classification (06012015). Collection method: clinical testing. Allele origin: germline. Affected: yes.
Comment: This variant is considered likely benign or benign based on one or more of the following criteria: it is a conservative change, it occurs at a poorly conserved position in the protein, it is predicted to be benign by multiple in silico algorithms, and/or has population frequency not consistent with disease.

Breakthrough Genomics
Classification: Benign. Review status: criteria provided, single submitter. Criteria: ACMG Guidelines, 2015. Collection method: not provided. Allele origin: germline. Inheritance: Autosomal dominant inheritance. Affected: yes.

Clinical Genetics DNA and cytogenetics Diagnostics Lab, Erasmus MC, Erasmus Medical Center
Classification: Benign. Review status: no assertion criteria provided. Collection method: clinical testing. Allele origin: germline. Affected: yes. Study: VKGL Data-share Consensus. Not counted in ClinVar's aggregate classification.

Genome Diagnostics Laboratory, Amsterdam University Medical Center
Classification: Benign. Review status: no assertion criteria provided. Collection method: clinical testing. Allele origin: germline. Affected: yes. Study: VKGL Data-share Consensus. Not counted in ClinVar's aggregate classification.